The following is an entry in ClinVar:

ClinVar aggregate classification (germline): Uncertain significance (1 of 4 stars; one submission).

Submission:

Greenwood Genetic Center Diagnostic Laboratories, Greenwood Genetic Center
Classification: Uncertain significance. Last evaluated: 2026-05-06. Review status: criteria provided, single submitter. Criteria: ACMG Guidelines, 2015. Collection method: clinical testing. Allele origin: germline.
Comment: Gene of Uncertain Significance

NM_001367178.1(TEDC1):c.458C>G (p.Pro153Arg)

Gene: TEDC1 (tubulin epsilon and delta complex 1; plus strand). Cytogenetic location: 14q32.33.
Variant type: single nucleotide variant.
Coding change: c.458C>G on transcript NM_001367178.1 (MANE Select); coding-DNA position 458, C replaced by G.
Protein change: p.Pro153Arg; replaces proline 153 with arginine.
Molecular consequence: missense variant.
Genome position (GRCh38, 1-based): chr14:105,492,607, C>G. VCF-style: chr14-105492607-C-G. GRCh37 (hg19) VCF-style: chr14-105958944-C-G.
Other names: c.458C>G, p.Pro153Arg (NM_001134875.2, NM_001134876.2); c.335C>G, p.Pro112Arg (NM_001134877.1); c.341C>G, p.Pro114Arg (NM_001198983.2); short protein forms P112R, P114R, P153R.
Identifiers: ClinVar variation 4891060 (VCV004891060.1).